The following is an entry in ClinVar:

ClinVar aggregate classification (germline): Uncertain significance (1 of 4 stars; one submission).

Conditions:
RASopathy. Also called: Noonan spectrum disorder; rasopathies. Identifiers: Orphanet 536391, MedGen C5555857, MONDO:0021060.

Submission:

Labcorp Genetics (formerly Invitae), Labcorp
Classification: Uncertain significance for RASopathy. Last evaluated: 2024-08-05. Review status: criteria provided, single submitter. Criteria: Invitae Variant Classification Sherloc (09022015). Collection method: clinical testing. Allele origin: germline.
Comment: This sequence change replaces glycine, which is neutral and non-polar, with aspartic acid, which is acidic and polar, at codon 358 of the RAF1 protein (p.Gly358Asp). This variant is not present in population databases (gnomAD no frequency). This variant has not been reported in the literature in individuals affected with RAF1-related conditions. Advanced modeling of protein sequence and biophysical properties (such as structural, functional, and spatial information, amino acid conservation, physicochemical variation, residue mobility, and thermodynamic stability) performed at Invitae indicates that this missense variant is expected to disrupt RAF1 protein function with a positive predictive value of 95%. In summary, the available evidence is currently insufficient to determine the role of this variant in disease. Therefore, it has been classified as a Variant of Uncertain Significance.

NM_002880.4(RAF1):c.1073G>A (p.Gly358Asp)

Gene: RAF1 (Raf-1 proto-oncogene, serine/threonine kinase; minus strand). Cytogenetic location: 3p25.2.
Variant type: single nucleotide variant.
Coding change: c.1073G>A on transcript NM_002880.4 (MANE Select); coding-DNA position 1073, G replaced by A.
Protein change: p.Gly358Asp; replaces glycine 358 with aspartic acid.
Molecular consequence: missense variant. On other transcripts: non-coding transcript variant (3).
Genome position (GRCh38, 1-based): chr3:12,599,726, C>T on the plus strand (G>A on the coding strand, the complement: RAF1 is on the minus strand). VCF-style: chr3-12599726-C-T. GRCh37 (hg19) VCF-style: chr3-12641225-C-T.
Other names: c.1133G>A, p.Gly378Asp (NM_001354689.3); c.1073G>A, p.Gly358Asp (NM_001354690.3); c.830G>A, p.Gly277Asp (NM_001354691.3, NM_001354692.3); c.974G>A, p.Gly325Asp (NM_001354693.3); c.890G>A, p.Gly297Asp (NM_001354694.3); c.731G>A, p.Gly244Asp (NM_001354695.3); short protein forms G277D, G325D, G244D, G297D, G358D, G378D.
Identifiers: ClinVar variation 3635600 (VCV003635600.2).